The following is an entry in ClinVar:

NM_139027.6(ADAMTS13):c.1661C>T (p.Thr554Met)

Gene: ADAMTS13 (ADAM metallopeptidase with thrombospondin type 1 motif 13; plus strand). Cytogenetic location: 9q34.2.
Variant type: single nucleotide variant.
Coding change: c.1661C>T on transcript NM_139027.6 (MANE Select); coding-DNA position 1661, C replaced by T.
Protein change: p.Thr554Met; replaces threonine 554 with methionine.
Molecular consequence: missense variant.
Genome position (GRCh38, 1-based): chr9:133,438,322, C>T. VCF-style: chr9-133438322-C-T. GRCh37 (hg19) VCF-style: chr9-136303442-C-T.
Other names: c.1661C>T (NM_139025.3); c.1661C>T, p.Thr554Met (NM_139025.5); c.1568C>T, p.Thr523Met (NM_139026.6); short protein forms T523M, T554M.
Identifiers: ClinVar variation 1163034 (VCV001163034.8), dbSNP rs782771879, ClinGen allele CA200930762.

ClinVar aggregate classification (germline): Uncertain significance. Review status: criteria provided, multiple submitters, no conflicts (2 of 4 stars). 4 submissions from 4 submitters: Uncertain significance (4). Last evaluated 2025-11-08.

Conditions:
Inborn genetic diseases. Identifiers: MedGen C0950123, MeSH D030342.
Upshaw-Schulman syndrome (TTP). Also called: THROMBOTIC THROMBOCYTOPENIC PURPURA, HEREDITARY; Congenital thrombotic thrombocytopenic purpura. Identifiers: Orphanet 93583, MedGen C1268935, MONDO:0010122, OMIM 274150.

Allele frequency attached by ClinVar (database versions not stated): ExAC 0.00002; gnomAD exomes 0.00002 and 0.00003.
gnomAD v4.1: 26 of 1,614,088 alleles (0.0016%); highest among the groups gnomAD compares: Admixed American, 0.0067%; no homozygotes.

Submissions (4):

Ambry Genetics
Classification: Uncertain significance for Inborn genetic diseases. Last evaluated: 2025-11-08. Review status: criteria provided, single submitter. Criteria: Ambry Variant Classification Scheme 2023. Collection method: clinical testing. Allele origin: germline.

Labcorp Genetics (formerly Invitae), Labcorp
Classification: Uncertain significance. Last evaluated: 2025-09-17. Review status: criteria provided, single submitter. Criteria: Invitae Variant Classification Sherloc (09022015). Collection method: clinical testing. Allele origin: germline.
Comment: This sequence change replaces threonine, which is neutral and polar, with methionine, which is neutral and non-polar, at codon 554 of the ADAMTS13 protein (p.Thr554Met). This variant is present in population databases (rs782771879, gnomAD 0.009%). This variant has not been reported in the literature in individuals affected with ADAMTS13-related conditions. ClinVar contains an entry for this variant (Variation ID: 1163034). Invitae Evidence Modeling of protein sequence and biophysical properties (such as structural, functional, and spatial information, amino acid conservation, physicochemical variation, residue mobility, and thermodynamic stability) indicates that this missense variant is expected to disrupt ADAMTS13 protein function with a positive predictive value of 80%. In summary, the available evidence is currently insufficient to determine the role of this variant in disease. Therefore, it has been classified as a Variant of Uncertain Significance.

Mayo Clinic Laboratories, Mayo Clinic
Classification: Uncertain significance. Last evaluated: 2025-08-20. Review status: criteria provided, single submitter. Criteria: ACMG Guidelines, 2015. Collection method: clinical testing. Allele origin: germline. Observed: 2 variant alleles.
Comment: PM2_supporting

Fulgent Genetics
Classification: Uncertain significance for Upshaw-Schulman syndrome. Last evaluated: 2024-05-03. Review status: criteria provided, single submitter. Criteria: ACMG Guidelines, 2015. Collection method: clinical testing. Allele origin: germline.